The following is an entry in ClinVar:

NM_001197104.2(KMT2A):c.7381G>A (p.Gly2461Arg)

Gene: KMT2A (lysine methyltransferase 2A; plus strand). Cytogenetic location: 11q23.3.
Variant type: single nucleotide variant.
Coding change: c.7381G>A on transcript NM_001197104.2 (MANE Select); coding-DNA position 7381, G replaced by A.
Protein change: p.Gly2461Arg; replaces glycine 2461 with arginine.
Molecular consequence: missense variant.
Genome position (GRCh38, 1-based): chr11:118,503,273, G>A. VCF-style: chr11-118503273-G-A. GRCh37 (hg19) VCF-style: chr11-118373988-G-A.
Other names: c.7372G>A, p.Gly2458Arg (NM_005933.4); short protein forms G2458R, G2461R.
Identifiers: ClinVar variation 1422814 (VCV001422814.8), dbSNP rs1950530695, ClinGen allele CA382805330.
Genomic context (GRCh38, chr11:118,503,273, plus strand): 5'-AAAGAAAAGCATTCCAGTAAATCTTTTTTGGAACCTGGTCAGGTGACAACTGGTGAGGAA[G>A]GAAACTTGAAGCCAGAGTTTATGGATGAGGTTTTGACTCCTGAGTATATGGGCCAACGAC-3'
Protein context (NP_001184033.1, residues 2451-2471): EPGQVTTGEE[Gly2461Arg]NLKPEFMDEV

ClinVar aggregate classification (germline): Uncertain significance (1 of 4 stars; one submission).

Allele frequency attached by ClinVar (database versions not stated): TOPMed below 0.00001.

Submission:

Labcorp Genetics (formerly Invitae), Labcorp
Classification: Uncertain significance. Last evaluated: 2020-11-14. Review status: criteria provided, single submitter. Criteria: Invitae Variant Classification Sherloc (09022015). Collection method: clinical testing. Allele origin: germline.
Comment: This sequence change replaces glycine with arginine at codon 2461 of the KMT2A protein (p.Gly2461Arg). The glycine residue is weakly conserved and there is a moderate physicochemical difference between glycine and arginine. This variant is not present in population databases (ExAC no frequency). This variant has not been reported in the literature in individuals with KMT2A-related conditions. Algorithms developed to predict the effect of missense changes on protein structure and function are either unavailable or do not agree on the potential impact of this missense change (SIFT: "Tolerated"; PolyPhen-2: "Probably Damaging"; Align-GVGD: "Class C0"). In summary, the available evidence is currently insufficient to determine the role of this variant in disease. Therefore, it has been classified as a Variant of Uncertain Significance.